The following is an entry in ClinVar:

ClinVar aggregate classification (germline): Pathogenic. Review status: criteria provided, multiple submitters, no conflicts (2 of 4 stars). 7 submissions from 7 submitters: Pathogenic (6). 1 of the submissions does not count toward it. Last evaluated 2025-10-02.

Conditions:
Cardiovascular phenotype. Identifiers: MedGen CN230736.
ALMS1-related disorder. Also called: ALMS1-related condition.
Alstrom syndrome (ALMS). Identifiers: Orphanet 64, MedGen C0268425, MONDO:0008763, OMIM 203800.

Allele frequency attached by ClinVar (database versions not stated): TOPMed below 0.00001; gnomAD exomes 0.00001 and 0.00002; ExAC 0.00002.

Submissions (7):

Labcorp Genetics (formerly Invitae), Labcorp
Classification: Pathogenic for Alstrom syndrome. Last evaluated: 2025-10-02. Review status: criteria provided, single submitter. Criteria: Invitae Variant Classification Sherloc (09022015). Collection method: clinical testing. Allele origin: germline.
Comment: This sequence change creates a premature translational stop signal (p.Asn3885Leufs*9) in the ALMS1 gene. It is expected to result in an absent or disrupted protein product. Loss-of-function variants in ALMS1 are known to be pathogenic (PMID: 17594715). This variant is present in population databases (rs760264695, gnomAD 0.003%). This premature translational stop signal has been observed in individuals with Alstrom syndrome (PMID: 25846608, 26111748, 30064963). ClinVar contains an entry for this variant (Variation ID: 550627). For these reasons, this variant has been classified as Pathogenic.

Natera, Inc.
Classification: Pathogenic for Alstrom syndrome. Last evaluated: 2025-01-23. Review status: criteria provided, single submitter. Criteria: Natera Variant Classification Schema (03/2026). Collection method: clinical testing. Allele origin: germline.
Comment: The c.11651_11652insGTTA variant in ALMS1 is a frameshift variant predicted to shift the reading frame beginning at codon 3885 and leads to a stop codon 9 codons downstream. This variant is expected to result in nonsense mediated decay, truncation, or a dysfunctional protein product. This variant is rare in the general population with a frequency below the threshold expected for the associated phenotype(s). This variant has been observed in one or more individuals affected with the associated recessive disease, as either homozygous or compound heterozygous with a second variant (PMID: 30064963). Given the available evidence, this variant is classified as Pathogenic.

Blueprint Genetics
Classification: Pathogenic for ALMS1-related disorders. Last evaluated: 2024-10-03. Review status: criteria provided, single submitter. Criteria: ACMG Guidelines, 2015. Collection method: clinical testing. Allele origin: germline. Affected: yes. Observed: 5 variant alleles.

Broad Center for Mendelian Genomics, Broad Institute of MIT and Harvard
Classification: Pathogenic for Alstrom syndrome. Last evaluated: 2022-05-04. Review status: criteria provided, single submitter. Criteria: ACMG Guidelines, 2015. Collection method: curation. Allele origin: germline. Inheritance: Autosomal recessive inheritance.
Comment: The variant has been reported in 6 individuals of unknown ethnicity with Alstrom syndrome (PMID: 26704672, 28610912, 26111748), and has been identified in 0.003% (3/112826) of European non-Finnish chromosomes by the Genome Aggregation Database (gnomAD; dbSNP ID: rs760264695). Although this variant has been seen in the general population, its frequency is low enough to be consistent with a recessive carrier frequency. This variant is predicted to cause a frameshift, which alters the protein’s amino acid sequence beginning at position 3883 and leads to a premature termination codon 9 amino acids downstream. This alteration is then predicted to lead to a truncated or absent protein. Loss of function of the ALMS1 gene is an established disease mechanism in autosomal recessive Alstrom syndrome. The presence of this variant in combination with reported likely pathogenic variants and in 6 individuals with Alstrom syndrome increases the likelihood that the p.Asn3883LeufsTer9 variant is pathogenic (VariationID: 556350, 553694; PMID: 26704672, 28610912, 26111748). In summary, this variant meets criteria to be classified as pathogenic for Alstrom syndrome in an autosomal recessive manner based on the predicted impact of the variant and its occurrence in trans with other likely pathogenic variants. ACMG/AMP Criteria applied: PVS1, PM2, PM3 (Richards 2015).

Fulgent Genetics
Classification: Pathogenic for Alstrom syndrome. Last evaluated: 2022-02-17. Review status: criteria provided, single submitter. Criteria: ACMG Guidelines, 2015. Collection method: clinical testing. Allele origin: unknown.

Ambry Genetics
Classification: Pathogenic for Cardiovascular phenotype. Last evaluated: 2020-08-27. Review status: criteria provided, single submitter. Criteria: Ambry Variant Classification Scheme 2023. Collection method: clinical testing. Allele origin: germline.
Comment: The c.11651_11652insGTTA pathogenic mutation, located in coding exon 17 of the ALMS1 gene, results from an insertion of 4 nucleotides at position 11651, causing a translational frameshift with a predicted alternate stop codon (p.N3885Lfs*9). This variant has been reported in an Alstrom syndrome cohort with limited clinical details provided (Marshall JD et al. Hum. Mutat., 2015 Jul;36:660-8). In addition to the clinical data presented in the literature, this alteration is expected to result in loss of function by premature protein truncation or nonsense-mediated mRNA decay. As such, this alteration is interpreted as a disease-causing mutation.

Counsyl
Classification: Pathogenic for Alstrom syndrome. Last evaluated: 2017-02-08. Review status: no assertion criteria provided. Collection method: clinical testing. Allele origin: unknown. Not counted in ClinVar's aggregate classification.

Literature cited by the submitters: PubMed 17594715 (cited by Labcorp Genetics (formerly Invitae), Labcorp); PubMed 25846608 (cited by 3 submitters); PubMed 26111748 (cited by Labcorp Genetics (formerly Invitae), Labcorp); PubMed 30064963 (cited by Labcorp Genetics (formerly Invitae), Labcorp and Natera, Inc.).

NM_001378454.1(ALMS1):c.11648_11649insGTTA (p.Asn3884fs)

Gene: ALMS1 (ALMS1 centrosome and basal body associated protein; plus strand). Cytogenetic location: 2p13.1.
Variant type: Insertion.
Coding change: c.11648_11649insGTTA on transcript NM_001378454.1 (MANE Select); coding-DNA positions 11648 to 11649, GTTA inserted.
Protein change: p.Asn3884fs; shifts the reading frame from asparagine 3884.
Molecular consequence: frameshift variant.
Genome position: GRCh38 VCF-style: chr2-73599501-T-TGTTA. GRCh37 (hg19) VCF-style: chr2-73826628-T-TGTTA.
Other names: NM_015120.4(ALMS1):c.11651_11652insGTTA; p.Asn3885fs; c.11651_11652insGTTA, p.Asn3885fs (NM_015120.4); short protein forms N3885fs, N3884fs.
Identifiers: ClinVar variation 550627 (VCV000550627.14), dbSNP rs760264695, ClinGen allele CA1715266.
Genomic context (GRCh38, chr2:73,599,501, plus strand): 5'-CTGCCAGTAGTTTCCTGAGCTCAAACTCTACTTTTTGCAACAAGCAGAATGTACACATGT[T>TGTTA]AAACAAGGGCATACAAGCAGGTAATTACTTGAATCTAAACTTTTTCATTGAAATACATTG-3'